The following is an entry in ClinVar:

NM_004360.5(CDH1):c.1996_1999del (p.Asn666fs)

Gene: CDH1 (cadherin 1; plus strand). Cytogenetic location: 16q22.1.
Variant type: Microsatellite.
Coding change: c.1996_1999del on transcript NM_004360.5 (MANE Select); coding-DNA positions 1996 to 1999, 4 bases deleted (AATC; older notation c.1996_1999delAATC).
Protein change: p.Asn666fs; shifts the reading frame from asparagine 666.
Molecular consequence: frameshift variant.
Genome position (GRCh38, 1-based): chr16:68,823,458-68,823,461, AATC deleted; deleting any 4 consecutive bases within chr16:68,823,454-68,823,461 gives the same sequence; the c. name uses the placement nearest the transcript's 3' end. VCF-style (leftmost placement, unchanged base first): chr16-68823453-AAATC-A. GRCh37 (hg19) VCF-style: chr16-68857356-AAATC-A.
Other names: c.1813_1816del, p.Asn605fs (NM_001317184.2); c.448_451del, p.Asn150fs (NM_001317185.2); c.31_34del, p.Asn11fs (NM_001317186.2); c.1992_1995AATC[1], p.Asn666Serfs (NM_004360.3); c.1996_1999delAATC (NM_004360.3); short protein forms N150fs, N11fs, N605fs, N666fs.
Identifiers: ClinVar variation 3265146 (VCV003265146.1).

ClinVar aggregate classification (germline): Pathogenic (1 of 4 stars; one submission).

Conditions:
Hereditary cancer-predisposing syndrome. Also called: Hereditary Cancer Syndrome; Tumor predisposition; Hereditary neoplastic syndrome; Neoplastic Syndromes, Hereditary. Identifiers: Orphanet 140162, MedGen C0027672, MeSH D009386, MONDO:0015356.

Submission:

Ambry Genetics
Classification: Pathogenic for Hereditary cancer-predisposing syndrome. Last evaluated: 2024-06-14. Review status: criteria provided, single submitter. Criteria: Ambry Variant Classification Scheme 2023. Collection method: clinical testing. Allele origin: germline.
Comment: The c.1996_1999delAATC pathogenic mutation, located in coding exon 13 of the CDH1 gene, results from a deletion of 4 nucleotides at nucleotide positions 1996 to 1999, causing a translational frameshift with a predicted alternate stop codon (p.N666Sfs*12). This variant is considered to be rare based on population cohorts in the Genome Aggregation Database (gnomAD). This alteration is expected to result in loss of function by premature protein truncation or nonsense-mediated mRNA decay. As such, this alteration is interpreted as a disease-causing mutation.